The following is an entry in ClinVar:

ClinVar aggregate classification (germline): Benign (0 of 4 stars; one submission).

Conditions:
MYL1-related disorder. Also called: MYL1-related condition.

Submission:

PreventionGenetics, part of Exact Sciences
Classification: Benign for MYL1-related condition. Last evaluated: 2019-10-29. Review status: no assertion criteria provided. Collection method: clinical testing. Allele origin: germline.
Comment: This variant is classified as benign based on ACMG/AMP sequence variant interpretation guidelines (Richards et al. 2015 PMID: 25741868, with internal and published modifications).

NM_079420.3(MYL1):c.1del (p.Met1fs)

Gene: MYL1 (myosin light chain 1; minus strand). Cytogenetic location: 2q34.
Variant type: Deletion.
Coding change: c.1del on transcript NM_079420.3 (MANE Select); coding-DNA position 1, one base deleted (A; older notation c.1delA).
Protein change: p.Met1fs; shifts the reading frame from methionine 1.
Molecular consequence: frameshift variant, initiator codon variant.
Genome position (GRCh38, 1-based): chr2:210,315,042, T deleted on the plus strand (A on the coding strand, the reverse complement: MYL1 is on the minus strand); the first of 11 consecutive T bases (chr2:210,315,042-210,315,052); deleting any one gives the same sequence. VCF-style (leftmost placement, unchanged base first): chr2-210315041-AT-A. GRCh37 (hg19) VCF-style: chr2-211179765-AT-A.
Other names: short protein forms M1fs.
Identifiers: ClinVar variation 3055892 (VCV003055892.2), dbSNP rs544557603, ClinGen allele CA2085415.